The following is an entry in ClinVar:

NM_004380.3(CREBBP):c.2880+1G>A

Gene: CREBBP (CREB binding protein; minus strand). Cytogenetic location: 16p13.3.
Variant type: single nucleotide variant.
Coding change: c.2880+1G>A on transcript NM_004380.3 (MANE Select); the canonical splice donor site of the intron after coding-DNA position 2880, G replaced by A.
Molecular consequence: splice donor variant.
Genome position (GRCh38, 1-based): chr16:3,770,569, C>T on the plus strand (G>A on the coding strand, the complement: CREBBP is on the minus strand). VCF-style: chr16-3770569-C-T. GRCh37 (hg19) VCF-style: chr16-3820570-C-T.
Other names: c.2766+1G>A (NM_001079846.1).
Identifiers: ClinVar variation 1207602 (VCV001207602.4), dbSNP rs2141198335, ClinGen allele CA394549949.

ClinVar aggregate classification (germline): Likely pathogenic (1 of 4 stars; one submission).

Submission:

GeneDx
Classification: Likely pathogenic. Last evaluated: 2024-11-11. Review status: criteria provided, single submitter. Criteria: GeneDx Variant Classification Process June 2021. Collection method: clinical testing. Allele origin: germline. Affected: yes.
Comment: Not observed at significant frequency in large population cohorts (gnomAD); Canonical splice site variant predicted to result in an in-frame loss of the adjacent exon in a gene for which loss of function is a known mechanism of disease; Has not been previously published as pathogenic or benign to our knowledge